The following is an entry in ClinVar:

NM_030665.4(RAI1):c.3725G>C (p.Arg1242Pro)

Gene: RAI1 (retinoic acid induced 1; plus strand). Cytogenetic location: 17p11.2.
Variant type: single nucleotide variant.
Coding change: c.3725G>C on transcript NM_030665.4 (MANE Select); coding-DNA position 3725, G replaced by C.
Protein change: p.Arg1242Pro; replaces arginine 1242 with proline.
Molecular consequence: missense variant.
Genome position (GRCh38, 1-based): chr17:17,796,673, G>C. VCF-style: chr17-17796673-G-C. GRCh37 (hg19) VCF-style: chr17-17699987-G-C.
Other names: short protein forms R1242P.
Identifiers: ClinVar variation 2991647 (VCV002991647.5), dbSNP rs370850432, ClinGen allele CA288370584.

ClinVar aggregate classification (germline): Uncertain significance. Review status: criteria provided, multiple submitters, no conflicts (2 of 4 stars). 2 submissions from 2 submitters: Uncertain significance (2). Last evaluated 2025-09-16.

gnomAD v4.1: 1 of 1,612,808 alleles (0.000062%); no homozygotes.

Submissions (2):

Dasa
Classification: Uncertain significance. Last evaluated: 2025-09-16. Review status: criteria provided, single submitter. Criteria: DASA Assertion Criteria. Collection method: clinical testing. Allele origin: germline.
Comment: NM_030665.4(RAI1):c.3725G>C (p.Arg1242Pro) is a missense variant that results in the substitution of arginine with proline. This variant is rare in population databases. The currently available literature and clinical evidence are not sufficient to establish a definitive association between this variant and the reported condition. Therefore, this variant is classified as a variant of uncertain significance.

Labcorp Genetics (formerly Invitae), Labcorp
Classification: Uncertain significance. Last evaluated: 2022-11-23. Review status: criteria provided, single submitter. Criteria: Invitae Variant Classification Sherloc (09022015). Collection method: clinical testing. Allele origin: germline.
Comment: This sequence change replaces arginine, which is basic and polar, with proline, which is neutral and non-polar, at codon 1242 of the RAI1 protein (p.Arg1242Pro). This variant is not present in population databases (gnomAD no frequency). This variant has not been reported in the literature in individuals affected with RAI1-related conditions. Advanced modeling of protein sequence and biophysical properties (such as structural, functional, and spatial information, amino acid conservation, physicochemical variation, residue mobility, and thermodynamic stability) performed at Invitae indicates that this missense variant is not expected to disrupt RAI1 protein function. In summary, the available evidence is currently insufficient to determine the role of this variant in disease. Therefore, it has been classified as a Variant of Uncertain Significance.